The following is an entry in ClinVar:

NM_000038.6(APC):c.6685A>G (p.Thr2229Ala)

Gene: APC (APC regulator of Wnt signaling pathway; plus strand). Cytogenetic location: 5q22.2.
Variant type: single nucleotide variant.
Coding change: c.6685A>G on transcript NM_000038.6 (MANE Select); coding-DNA position 6685, A replaced by G.
Protein change: p.Thr2229Ala; replaces threonine 2229 with alanine.
Molecular consequence: missense variant.
Genome position (GRCh38, 1-based): chr5:112,842,279, A>G. VCF-style: chr5-112842279-A-G. GRCh37 (hg19) VCF-style: chr5-112177976-A-G.
Other names: c.6685A>G, p.Thr2229Ala (NM_001127510.3, NM_001354895.2, NM_001407450.1); c.6631A>G, p.Thr2211Ala (NM_001127511.3); c.6739A>G, p.Thr2247Ala (NM_001354896.2, NM_001407447.1, NM_001407448.1 and 1 more transcripts); c.6715A>G, p.Thr2239Ala (NM_001354897.2); c.6610A>G, p.Thr2204Ala (NM_001354898.2); c.6601A>G, p.Thr2201Ala (NM_001354899.2); c.6562A>G, p.Thr2188Ala (NM_001354900.2); c.6508A>G, p.Thr2170Ala (NM_001354901.2, NM_001407453.1); and 11 more; short protein forms T2069A, T2128A, T2146A, T2204A, T2219A, T2229A, T2257A, T1946A.
Identifiers: ClinVar variation 1754874 (VCV001754874.5), dbSNP rs757939439, ClinGen allele CA045769.

ClinVar aggregate classification (germline): Uncertain significance. Review status: criteria provided, multiple submitters, no conflicts (2 of 4 stars). 2 submissions from 2 submitters: Uncertain significance (2). Last evaluated 2025-09-11.

Conditions:
Hereditary cancer-predisposing syndrome. Also called: Neoplastic Syndromes, Hereditary; Tumor predisposition; Hereditary Cancer Syndrome; Hereditary neoplastic syndrome. Identifiers: Orphanet 140162, MedGen C0027672, MeSH D009386, MONDO:0015356.

Allele frequency attached by ClinVar (database versions not stated): ExAC 0.00001; gnomAD exomes 0.00001.
gnomAD v4.1: 9 of 1,614,028 alleles (0.00056%); highest among the groups gnomAD compares: Admixed American, 0.0017%; no homozygotes.

Submissions (2):

Ambry Genetics
Classification: Uncertain significance for Hereditary cancer-predisposing syndrome. Last evaluated: 2025-09-11. Review status: criteria provided, single submitter. Criteria: Ambry Variant Classification Scheme 2023. Collection method: clinical testing. Allele origin: germline.
Comment: The p.T2229A variant (also known as c.6685A>G), located in coding exon 15 of the APC gene, results from an A to G substitution at nucleotide position 6685. The threonine at codon 2229 is replaced by alanine, an amino acid with similar properties. This amino acid position is highly conserved in available vertebrate species. In addition, in silico predictors for this gene do not accurately predict pathogenicity. Since supporting evidence is limited at this time, the clinical significance of this alteration remains unclear.

Color Diagnostics, LLC DBA Color Health
Classification: Uncertain significance for Hereditary cancer-predisposing syndrome. Last evaluated: 2024-03-06. Review status: criteria provided, single submitter. Criteria: ACMG Guidelines, 2015. Collection method: clinical testing. Allele origin: germline.
Comment: This missense variant replaces threonine with alanine at codon 2229 of the APC protein. Computational prediction suggests that this variant may have deleterious impact on protein structure and function (internally defined REVEL score threshold >= 0.7, PMID: 27666373). To our knowledge, functional studies have not been reported for this variant. This variant has not been reported in individuals affected with APC-related disorders in the literature. This variant has been identified in 1/250206 chromosomes in the general population by the Genome Aggregation Database (gnomAD). The available evidence is insufficient to determine the role of this variant in disease conclusively. Therefore, this variant is classified as a Variant of Uncertain Significance.